The following is an entry in ClinVar:

ClinVar aggregate classification (germline): Pathogenic/Likely pathogenic. Review status: criteria provided, multiple submitters, no conflicts (2 of 4 stars). 7 submissions from 7 submitters: Pathogenic (1); Likely pathogenic (5). 1 of the submissions does not count toward it. Last evaluated 2025-12-02.

Conditions:
Galactosylceramide beta-galactosidase deficiency. Also called: Leukodystrophy, Globoid Cell; GALACTOCEREBROSIDASE DEFICIENCY; GALC DEFICIENCY; GLOBOID CELL LEUKOENCEPHALOPATHY; Krabbe Disease. Identifiers: Orphanet 487, MedGen C0023521, MONDO:0009499, OMIM 245200.

Allele frequency attached by ClinVar (database versions not stated): gnomAD exomes below 0.00001 and 0.00001.

Submissions (7):

Myriad Genetics, Inc.
Classification: Likely pathogenic for Galactosylceramide beta-galactosidase deficiency. Last evaluated: 2025-12-02. Review status: criteria provided, single submitter. Criteria: Myriad Autosomal Dominant, Autosomal Recessive and X-Linked Classification Criteria (2023). Collection method: clinical testing. Allele origin: unknown.
Comment: NM_000153.3(GALC):c.560A>T(D187V) is a missense variant classified as likely pathogenic in the context of Krabbe disease. D187V has been observed in cases with relevant disease (PMID: 27442402, 20886637, 21070211, 26108647, 8687180). Relevant functional assessments of this variant are available in the literature (PMID: 27638593). D187V has been observed in referenced population frequency databases. In summary, NM_000153.3(GALC):c.560A>T(D187V) is a missense variant that has been observed more frequently in cases with the relevant disease than in healthy populations. Please note: this variant was assessed in the context of healthy population screening.

Natera, Inc.
Classification: Likely pathogenic for Galactosylceramide beta-galactosidase deficiency. Last evaluated: 2025-09-26. Review status: criteria provided, single submitter. Criteria: Natera Variant Classification Schema (03/2026). Collection method: clinical testing. Allele origin: germline.
Comment: The c.560A>T variant in GALC is a missense variant predicted to cause substitution of aspartic acid to valine at amino acid 187. This variant is rare in the general population with a frequency below the threshold expected for the associated phenotype(s). This variant has been observed in one or more individuals affected with the associated recessive disease, as either homozygous or compound heterozygous with a second variant (PMID: 20886637, 26108647, 32036093, 27442402). Functional studies show that this variant may disrupt protein function (PMID: 27638593). Computational prediction algorithms indicate this variant is likely to affect gene or protein function. Given the available evidence, this variant is classified as Likely Pathogenic.

Fulgent Genetics
Classification: Likely pathogenic for Galactosylceramide beta-galactosidase deficiency. Last evaluated: 2024-03-04. Review status: criteria provided, single submitter. Criteria: ACMG Guidelines, 2015. Collection method: clinical testing. Allele origin: germline.

Labcorp Genetics (formerly Invitae), Labcorp
Classification: Pathogenic for Galactosylceramide beta-galactosidase deficiency. Last evaluated: 2023-12-05. Review status: criteria provided, single submitter. Criteria: Invitae Variant Classification Sherloc (09022015). Collection method: clinical testing. Allele origin: germline.
Comment: This sequence change replaces aspartic acid, which is acidic and polar, with valine, which is neutral and non-polar, at codon 187 of the GALC protein (p.Asp187Val). This variant is present in population databases (no rsID available, gnomAD 0.0009%). This missense change has been observed in individual(s) with Krabbe disease (PMID: 8687180, 20886637, 27442402). In at least one individual the data is consistent with being in trans (on the opposite chromosome) from a pathogenic variant. This variant is also known as Asp171Val. ClinVar contains an entry for this variant (Variation ID: 642832). Advanced modeling of protein sequence and biophysical properties (such as structural, functional, and spatial information, amino acid conservation, physicochemical variation, residue mobility, and thermodynamic stability) performed at Invitae indicates that this missense variant is expected to disrupt GALC protein function with a positive predictive value of 95%. Experimental studies have shown that this missense change affects GALC function (PMID: 27638593). For these reasons, this variant has been classified as Pathogenic.

Women's Health and Genetics/Laboratory Corporation of America, LabCorp
Classification: Likely pathogenic for Galactosylceramide beta-galactosidase deficiency. Last evaluated: 2022-08-08. Review status: criteria provided, single submitter. Criteria: LabCorp Variant Classification Summary - May 2015. Collection method: clinical testing. Allele origin: germline.
Comment: Variant summary: GALC c.560A>T (p.Asp187Val) results in a non-conservative amino acid change in the encoded protein sequence. Four of five in-silico tools predict a damaging effect of the variant on protein function. The variant allele was found at a frequency of 4e-06 in 249464 control chromosomes (gnomAD). The variant c.560A>T (aka c.512A>T; p.Asp171Val), has been reported in the literature in multiple compound heterozygous individuals affected with Krabbe Disease (e.g. Luzi_1996, Tappino_2010, Fiumara_2011, Gucev_2015, Dimitriou_2016), and all of these cases were reported to have a significantly reduced GALC enzyme activity. These data indicate that the variant is likely to be associated with disease. Publications also reported experimental evidence evaluating an impact on protein function, and demonstrated that the variant in isolation resulted in about 5-10% residual activity compared to the normal (Saavedra-Matiz_2016), however, when the variant was expressed in cis, together with the frequent polymorphisms I546T (aka Ile562Thr) and R168C (aka Arg184Cys) as a haplotype, it resulted almost undetectable GALC enzyme activity (Luzi_1996, Saavedra-Matiz_2016); authors of the later study noted that the I546T polymorphism is known to reduce the measured GALC activity partially (Saavedra-Matiz_2016). Two clinical diagnostic laboratories have submitted clinical-significance assessments for this variant to ClinVar after 2014, and both of them classified the variant as likely pathogenic. Based on the evidence outlined above, the variant was classified as likely pathogenic.

Revvity Omics, Revvity
Classification: Likely pathogenic. Last evaluated: 2022-05-10. Review status: criteria provided, single submitter. Criteria: ACMG Guidelines, 2015. Collection method: clinical testing. Allele origin: germline.

GeneReviews
No classification provided. Condition: Galactosylceramide beta-galactosidase deficiency. Review status: no classification provided. Collection method: literature only. Allele origin: germline. Not counted in ClinVar's aggregate classification.

Literature cited by the submitters: PubMed 20886637 (cited by 4 submitters); PubMed 21070211 (cited by Myriad Genetics, Inc. and Women's Health and Genetics/Laboratory Corporation of America, LabCorp); PubMed 26108647 (cited by 3 submitters); PubMed 27442402 (cited by 4 submitters); PubMed 27638593 (cited by 4 submitters); PubMed 8687180 (cited by 3 submitters); PubMed 32036093 (cited by Natera, Inc. and Women's Health and Genetics/Laboratory Corporation of America, LabCorp).

NM_000153.4(GALC):c.560A>T (p.Asp187Val)

Gene: GALC (galactosylceramidase; minus strand). Cytogenetic location: 14q31.3.
Variant type: single nucleotide variant.
Coding change: c.560A>T on transcript NM_000153.4 (MANE Select); coding-DNA position 560, A replaced by T.
Protein change: p.Asp187Val; replaces aspartic acid 187 with valine.
Molecular consequence: missense variant.
Genome position (GRCh38, 1-based): chr14:87,984,416, T>A on the plus strand (A>T on the coding strand, the complement: GALC is on the minus strand). VCF-style: chr14-87984416-T-A. GRCh37 (hg19) VCF-style: chr14-88450760-T-A.
Other names: c.491A>T, p.Asp164Val (NM_001201401.2); c.482A>T, p.Asp161Val (NM_001201402.2); short protein forms D164V, D187V, D161V.
Identifiers: ClinVar variation 642832 (VCV000642832.17), dbSNP rs997021099, ClinGen allele CA264711077.